The following is an entry in ClinVar:

ClinVar aggregate classification (germline): Uncertain significance (1 of 4 stars; one submission).

Conditions:
Ehlers-Danlos syndrome, musculocontractural type 2 (EDSMC2). Identifiers: Orphanet 2953, MedGen C3809845, MONDO:0014236, OMIM 615539.

Allele frequency attached by ClinVar (database versions not stated): gnomAD exomes below 0.00001 and 0.00001; ExAC 0.00001.
gnomAD v4.1: 2 of 1,614,182 alleles (0.00012%); highest among the groups gnomAD compares: Non-Finnish European, 0.00017%; no homozygotes.

Submission:

Labcorp Genetics (formerly Invitae), Labcorp
Classification: Uncertain significance for Ehlers-Danlos syndrome, musculocontractural type 2. Last evaluated: 2021-07-06. Review status: criteria provided, single submitter. Criteria: Invitae Variant Classification Sherloc (09022015). Collection method: clinical testing. Allele origin: germline.
Comment: In summary, the available evidence is currently insufficient to determine the role of this variant in disease. Therefore, it has been classified as a Variant of Uncertain Significance. This sequence change replaces valine with alanine at codon 685 of the DSE protein (p.Val685Ala). The valine residue is highly conserved and there is a small physicochemical difference between valine and alanine. This variant is present in population databases (rs749911499, ExAC 0.001%). This variant has not been reported in the literature in individuals affected with DSE-related conditions. Algorithms developed to predict the effect of missense changes on protein structure and function are either unavailable or do not agree on the potential impact of this missense change (SIFT: "Not Available"; PolyPhen-2: "Possibly Damaging"; Align-GVGD: "Not Available").

NM_013352.4(DSE):c.2054T>C (p.Val685Ala)

Gene: DSE (dermatan sulfate epimerase; plus strand). Cytogenetic location: 6q22.1.
Variant type: single nucleotide variant.
Coding change: c.2054T>C on transcript NM_013352.4 (MANE Select); coding-DNA position 2054, T replaced by C.
Protein change: p.Val685Ala; replaces valine 685 with alanine.
Molecular consequence: missense variant. On other transcripts: 3 prime UTR variant (2), non-coding transcript variant (1).
Genome position (GRCh38, 1-based): chr6:116,436,522, T>C. VCF-style: chr6-116436522-T-C. GRCh37 (hg19) VCF-style: chr6-116757685-T-C.
Other names: c.2054T>C, p.Val685Ala (NM_001080976.3, NM_001322937.2, NM_001322938.2); c.2111T>C, p.Val704Ala (NM_001322939.2); c.1493T>C, p.Val498Ala (NM_001322940.2, NM_001322941.2); c.*919T>C (NM_001322943.2, NM_001322944.2); c.1055T>C, p.Val352Ala (NM_001374520.1); c.1019T>C, p.Val340Ala (NM_001374521.1); short protein forms V498A, V352A, V340A, V685A, V704A.
Identifiers: ClinVar variation 1372815 (VCV001372815.8), dbSNP rs749911499, ClinGen allele CA3969751.